The following is an entry in ClinVar:

ClinVar aggregate classification (germline): Likely benign (1 of 4 stars; one submission).

Submission:

CeGaT Center for Human Genetics Tuebingen
Classification: Likely benign. Last evaluated: 2025-05-01. Review status: criteria provided, single submitter. Criteria: CeGaT Center For Human Genetics Tuebingen Variant Classification Criteria Version 2. Collection method: clinical testing. Allele origin: germline. Affected: yes. Observed: 1 variant allele.
Comment: SOX4: BP4, BP7, BS1

NM_003107.3(SOX4):c.1134G>A (p.Ala378=)

Gene: SOX4 (SRY-box transcription factor 4; plus strand). Cytogenetic location: 6p22.3.
Variant type: single nucleotide variant.
Coding change: c.1134G>A on transcript NM_003107.3 (MANE Select); coding-DNA position 1134, G replaced by A.
Protein change: p.Ala378=; no amino-acid change (alanine 378 retained).
Molecular consequence: synonymous variant.
Genome position (GRCh38, 1-based): chr6:21,595,668, G>A. VCF-style: chr6-21595668-G-A. GRCh37 (hg19) VCF-style: chr6-21595899-G-A.
Identifiers: ClinVar variation 3905318 (VCV003905318.10).